The following is an entry in ClinVar:

ClinVar aggregate classification (germline): Pathogenic (1 of 4 stars; one submission).

Conditions:
Progressive sclerosing poliodystrophy (MTDPS4A). Also called: Mitochondrial DNA depletion syndrome 4A (Alpers type); ALPERS PROGRESSIVE INFANTILE POLIODYSTROPHY; NEURONAL DEGENERATION OF CHILDHOOD WITH LIVER DISEASE, PROGRESSIVE; Mitochondrial DNA Depletion Syndrome 4A; Alpers-Huttenlocher Syndrome (AHS); Alpers Syndrome. Identifiers: Orphanet 726, MedGen C0205710, MONDO:0008758, OMIM 203700.

Submission:

Labcorp Genetics (formerly Invitae), Labcorp
Classification: Pathogenic for Progressive sclerosing poliodystrophy. Last evaluated: 2024-12-28. Review status: criteria provided, single submitter. Criteria: Invitae Variant Classification Sherloc (09022015). Collection method: clinical testing. Allele origin: germline.
Comment: This sequence change creates a premature translational stop signal (p.Trp918*) in the POLG gene. It is expected to result in an absent or disrupted protein product. Loss-of-function variants in POLG are known to be pathogenic (PMID: 18546365). This variant is not present in population databases (gnomAD no frequency). This variant has not been reported in the literature in individuals affected with POLG-related conditions. ClinVar contains an entry for this variant (Variation ID: 1405074). For these reasons, this variant has been classified as Pathogenic.

Literature cited by the submitters: PubMed 18546365.

NM_002693.3(POLG):c.2753G>A (p.Trp918Ter)

Gene: POLG (DNA polymerase gamma, catalytic subunit; minus strand). Cytogenetic location: 15q26.1.
Variant type: single nucleotide variant.
Coding change: c.2753G>A on transcript NM_002693.3 (MANE Select); coding-DNA position 2753, G replaced by A.
Protein change: p.Trp918Ter; replaces tryptophan 918 with a stop codon.
Molecular consequence: nonsense.
Genome position (GRCh38, 1-based): chr15:89,320,994, C>T on the plus strand (G>A on the coding strand, the complement: POLG is on the minus strand). VCF-style: chr15-89320994-C-T. GRCh37 (hg19) VCF-style: chr15-89864225-C-T.
Other names: c.2753G>A, p.Trp918Ter (NM_001126131.2); short protein forms W918*.
Identifiers: ClinVar variation 1405074 (VCV001405074.6), dbSNP rs2152061062, ClinGen allele CA393753283.